The following is an entry in ClinVar:

NM_013382.7(POMT2):c.817-1G>A

Gene: POMT2 (protein O-mannosyltransferase 2; minus strand). Cytogenetic location: 14q24.3.
Variant type: single nucleotide variant.
Coding change: c.817-1G>A on transcript NM_013382.7 (MANE Select); the canonical splice acceptor site of the intron before coding-DNA position 817, G replaced by A.
Molecular consequence: splice acceptor variant.
Genome position (GRCh38, 1-based): chr14:77,299,562, C>T on the plus strand (G>A on the coding strand, the complement: POMT2 is on the minus strand). VCF-style: chr14-77299562-C-T. GRCh37 (hg19) VCF-style: chr14-77765905-C-T.
Identifiers: ClinVar variation 4995268 (VCV004995268.1).
Genomic context (GRCh38, chr14:77,299,562, plus strand): 5'-AGCCAGGGGCAGCACTATGAGGCACAGGACACGAGCAGTCAGGTGTTTTCCCACAGTCAC[C>T]TGCAAACAGAGGCCAGCGTGGGGTGCTAGGCATGTGAGACCTCATTATTCCTTAGGCACT-3'

ClinVar aggregate classification (germline): Likely pathogenic (1 of 4 stars; one submission).

Conditions:
POMT2-related disorder. Also called: POMT2-related condition.

Submission:

PreventionGenetics, part of Exact Sciences
Classification: Likely pathogenic for POMT2-related condition. Last evaluated: 2026-01-16. Review status: criteria provided, single submitter. Criteria: ACMG Guidelines, 2015. Collection method: clinical testing. Allele origin: germline.
Comment: The POMT2 c.817-1G>A variant is predicted to disrupt the AG splice acceptor site and interfere with normal splicing. To our knowledge, this variant has not been reported in the literature or in a large population database (gnomAD), indicating this variant is rare. Variants that disrupt the consensus splice acceptor site in POMT2 are expected to be pathogenic. This variant is interpreted as likely pathogenic.